The following is an entry in ClinVar:

NM_000038.6(APC):c.7729TCA[1] (p.Ser2578del)

Gene: APC (APC regulator of Wnt signaling pathway; plus strand). Cytogenetic location: 5q22.2.
Variant type: Microsatellite.
Coding change: c.7729TCA[1] on transcript NM_000038.6 (MANE Select); one copy of the 3-base unit TCA starting at c.7729; the reference has two copies in a row; one copy, 3 bases deleted.
Protein change: p.Ser2578del; deletes serine 2578.
Molecular consequence: inframe deletion.
Genome position (GRCh38, 1-based): chr5:112,843,326-112,843,328, TCA deleted; deleting any 3 consecutive bases within chr5:112,843,323-112,843,328 gives the same sequence; the position shown is the placement nearest the transcript's 3' end. VCF-style (leftmost placement, unchanged base first): chr5-112843322-TTCA-T. GRCh37 (hg19) VCF-style: chr5-112179019-TTCA-T.
Other names: c.7729TCA[1], p.Ser2578del (NM_001127510.3, NM_001354895.2); c.7675TCA[1], p.Ser2560del (NM_001127511.3); c.7783TCA[1], p.Ser2596del (NM_001354896.2); c.7759TCA[1], p.Ser2588del (NM_001354897.2); c.7654TCA[1], p.Ser2553del (NM_001354898.2); c.7645TCA[1], p.Ser2550del (NM_001354899.2); c.7606TCA[1], p.Ser2537del (NM_001354900.2); c.7552TCA[1], p.Ser2519del (NM_001354901.2); and 5 more; short protein forms S2550del, S2578del, S2596del, S2452del, S2519del, S2588del, S2295del, S2418del.
Identifiers: ClinVar variation 1427985 (VCV001427985.8), dbSNP rs2149992771, ClinGen allele CA2580613641.
Genomic context (GRCh38, chr5:112,843,322, plus strand): 5'-ATCCCTTCCTCGAGTAAGCACTTGGAGAAGAACTGGAAGTTCATCTTCAATTCTTTCTGC[TTCA>T]TCAGAATCCAGTGAAAAAGCAAAAAGTGAGGATGAAAAACATGTGAACTCTATTTCAGGA-3'

ClinVar aggregate classification (germline): Uncertain significance (1 of 4 stars; one submission).

Conditions:
Familial adenomatous polyposis 1 (FAP1). Also called: POLYPOSIS, ADENOMATOUS INTESTINAL; FAMILIAL ADENOMATOUS POLYPOSIS 1, ATTENUATED. Identifiers: MedGen C2713442, MONDO:0021056, OMIM 175100. Disease mechanism: loss of function.

Submission:

Labcorp Genetics (formerly Invitae), Labcorp
Classification: Uncertain significance for Familial adenomatous polyposis 1. Last evaluated: 2021-07-26. Review status: criteria provided, single submitter. Criteria: Invitae Variant Classification Sherloc (09022015). Collection method: clinical testing. Allele origin: germline.
Comment: In summary, the available evidence is currently insufficient to determine the role of this variant in disease. Therefore, it has been classified as a Variant of Uncertain Significance. Experimental studies and prediction algorithms are not available for this variant, and the functional significance of the affected amino acid(s) is currently unknown. This variant has not been reported in the literature in individuals with APC-related conditions. This variant is not present in population databases (ExAC no frequency). This variant, c.7732_7734del, results in the deletion of 1 amino acid(s) of the APC protein (p.Ser2578del), but otherwise preserves the integrity of the reading frame.